The following is an entry in ClinVar:

ClinVar aggregate classification (germline): Uncertain significance (1 of 4 stars; one submission).

Submission:

Labcorp Genetics (formerly Invitae), Labcorp
Classification: Uncertain significance. Last evaluated: 2021-02-03. Review status: criteria provided, single submitter. Criteria: Invitae Variant Classification Sherloc (09022015). Collection method: clinical testing. Allele origin: germline.
Comment: In summary, the available evidence is currently insufficient to determine the role of this variant in disease. Therefore, it has been classified as a Variant of Uncertain Significance. Algorithms developed to predict the effect of missense changes on protein structure and function are either unavailable or do not agree on the potential impact of this missense change (SIFT: "Not Available"; PolyPhen-2: "Possibly Damaging"; Align-GVGD: "Not Available"). This variant has not been reported in the literature in individuals with SAMD9L-related conditions. This variant is not present in population databases (ExAC no frequency). This sequence change replaces tyrosine with cysteine at codon 568 of the SAMD9L protein (p.Tyr568Cys). The tyrosine residue is highly conserved and there is a large physicochemical difference between tyrosine and cysteine.

NM_152703.5(SAMD9L):c.1703A>G (p.Tyr568Cys)

Gene: SAMD9L (sterile alpha motif domain containing 9 like; minus strand). Cytogenetic location: 7q21.2.
Variant type: single nucleotide variant.
Coding change: c.1703A>G on transcript NM_152703.5 (MANE Select); coding-DNA position 1703, A replaced by G.
Protein change: p.Tyr568Cys; replaces tyrosine 568 with cysteine.
Molecular consequence: missense variant.
Genome position (GRCh38, 1-based): chr7:93,134,269, T>C on the plus strand (A>G on the coding strand, the complement: SAMD9L is on the minus strand). VCF-style: chr7-93134269-T-C. GRCh37 (hg19) VCF-style: chr7-92763582-T-C.
Other names: c.1703A>G, p.Tyr568Cys (NM_001303496.3, NM_001303497.3, NM_001303498.3 and 5 more transcripts); short protein forms Y568C.
Identifiers: ClinVar variation 1507544 (VCV001507544.6), dbSNP rs2116494240, ClinGen allele CA368195123.